The following is an entry in ClinVar:

ClinVar aggregate classification (germline): Uncertain significance. Review status: criteria provided, multiple submitters, no conflicts (2 of 4 stars). 2 submissions from 2 submitters: Uncertain significance (2). Last evaluated 2026-01-13.

Conditions:
Inborn genetic diseases. Identifiers: MedGen C0950123, MeSH D030342.
Frasier syndrome. Identifiers: Orphanet 347, MedGen C0950122, MeSH D052159, MONDO:0007635, OMIM 136680.
Drash syndrome (DDS). Also called: NEPHROPATHY, WILMS TUMOR, AND GENITAL ANOMALIES; WILMS TUMOR AND PSEUDO- OR TRUE HERMAPHRODITISM. Identifiers: Orphanet 220, MedGen C0950121, MONDO:0008682, OMIM 194080.
Wilms tumor 1 (WT1). Also called: Wilms tumor, somatic. Identifiers: Orphanet 654, MedGen CN033288, MONDO:0008679, OMIM 194070.
11p partial monosomy syndrome (WAGR). Also called: CHROMOSOME 11p13 DELETION SYNDROME; WAGR Spectrum Disorder; WAGR syndrome; WAGR Complex. Identifiers: Orphanet 893, MedGen C0206115, MONDO:0008681, OMIM 194072.

Submissions (2):

Ambry Genetics
Classification: Uncertain significance for Inborn genetic diseases. Last evaluated: 2026-01-13. Review status: criteria provided, single submitter. Criteria: Ambry Variant Classification Scheme 2023. Collection method: clinical testing. Allele origin: germline.
Comment: The p.P232S variant (also known as c.694C>T), located in coding exon 2 of the WT1 gene, results from a C to T substitution at nucleotide position 694. The proline at codon 232 is replaced by serine, an amino acid with similar properties. This amino acid position is conserved. In addition, the in silico prediction for this alteration is inconclusive. Based on the available evidence, the clinical significance of this variant remains unclear.

Labcorp Genetics (formerly Invitae), Labcorp
Classification: Uncertain significance for Wilms tumor 1; Drash syndrome; 11p partial monosomy syndrome; Frasier syndrome. Last evaluated: 2018-06-07. Review status: criteria provided, single submitter. Criteria: Invitae Variant Classification Sherloc (09022015). Collection method: clinical testing. Allele origin: germline.
Comment: In summary, the available evidence is currently insufficient to determine the role of this variant in disease. Therefore, it has been classified as a Variant of Uncertain Significance. Algorithms developed to predict the effect of missense changes on protein structure and function are either unavailable or do not agree on the potential impact of this missense change (SIFT: "Deleterious"; PolyPhen-2: "Benign"; Align-GVGD: "Class C0"). This variant has not been reported in the literature in individuals with WT1-related disease. This variant is not present in population databases (ExAC no frequency). This sequence change replaces proline with serine at codon 232 of the WT1 protein (p.Pro232Ser). The proline residue is highly conserved and there is a moderate physicochemical difference between proline and serine.

NM_024426.6(WT1):c.709C>T (p.Pro237Ser)

Gene: WT1 (WT1 transcription factor; minus strand). Cytogenetic location: 11p13.
Variant type: single nucleotide variant.
Coding change: c.709C>T on transcript NM_024426.6 (MANE Select); coding-DNA position 709, C replaced by T.
Protein change: p.Pro237Ser; replaces proline 237 with serine.
Molecular consequence: missense variant. On other transcripts: non-coding transcript variant (1).
Genome position (GRCh38, 1-based): chr11:32,428,572, G>A on the plus strand (C>T on the coding strand, the complement: WT1 is on the minus strand). VCF-style: chr11-32428572-G-A. GRCh37 (hg19) VCF-style: chr11-32450118-G-A.
Other names: c.709C>T, p.Pro237Ser (NM_000378.6, NM_001407044.1, NM_001407045.1 and 4 more transcripts); c.58C>T, p.Pro20Ser (NM_001198551.2, NM_001198552.2); c.-54C>T (NM_001407051.1); c.694C>T, p.Pro232Ser (NM_024425.2); c.694C>T (NM_024426.4); short protein forms P20S, P237S, P232S.
Identifiers: ClinVar variation 1062179 (VCV001062179.11), dbSNP rs2133075717, ClinGen allele CA379963467.
Genomic context (GRCh38, chr11:32,428,572, plus strand): 5'-GGCCCATGGGATCCTCATGCTTGAATGAGTGGTTGGGGAACTGCGCCGCATGGTGCGAGG[G>A]CGTGTGACCGTAGCTGGGCGTCCCGTCGAAGGTGACCGTGCTGTAACCTGCGGGAGCGGC-3'
Protein context (NP_077744.4, residues 227-247): FDGTPSYGHT[Pro237Ser]SHHAAQFPNH